The following is an entry in ClinVar:

ClinVar aggregate classification (germline): Conflicting classifications of pathogenicity. Review status: criteria provided, conflicting classifications (1 of 4 stars). 5 submissions from 5 submitters: Uncertain significance (1); Likely benign (4). Last evaluated 2026-05-08.

Conditions:
Inborn genetic diseases. Identifiers: MedGen C0950123, MeSH D030342.
Autosomal recessive distal spinal muscular atrophy 1. Also called: NEURONOPATHY, DISTAL HEREDITARY MOTOR, HARDING TYPE VI; NEUROPATHY, DISTAL HEREDITARY MOTOR, AUTOSOMAL RECESSIVE 1; HMN VI; NEURONOPATHY, SEVERE INFANTILE AXONAL, WITH RESPIRATORY FAILURE; SEVERE INFANTILE AXONAL NEUROPATHY WITH RESPIRATORY FAILURE; SPINAL MUSCULAR ATROPHY, DIAPHRAGMATIC. Identifiers: Orphanet 98920, MedGen C1858517, MONDO:0011436, OMIM 604320.
Charcot-Marie-Tooth disease axonal type 2S. Also called: CHARCOT-MARIE-TOOTH DISEASE, AXONAL, AUTOSOMAL RECESSIVE, TYPE 2S; CHARCOT-MARIE-TOOTH NEUROPATHY, TYPE 2S. Identifiers: Orphanet 443073, MedGen C4015349, MONDO:0014511, OMIM 616155.
IGHMBP2-related disorder. Also called: IGHMBP2-related condition; IGHMBP2-related disorders.

Allele frequency attached by ClinVar (database versions not stated): gnomAD exomes 0.00001; ExAC 0.00002; TOPMed 0.00002; gnomAD 0.00005; ESP Exome Variant Server 0.00008.
gnomAD v4.1: 35 of 1,613,982 alleles (0.0022%); highest among the groups gnomAD compares: Non-Finnish European, 0.003%; no homozygotes.

Submissions (5):

PreventionGenetics, part of Exact Sciences
Classification: Likely benign for IGHMBP2-related condition. Last evaluated: 2026-05-08. Review status: criteria provided, single submitter. Criteria: ACMG Guidelines, 2015. Collection method: clinical testing. Allele origin: germline.
Comment: This variant is classified as likely benign based on ACMG/AMP sequence variant interpretation guidelines (Richards et al. 2015 PMID: 25741868, with internal and published modifications).

CeGaT Center for Human Genetics Tuebingen
Classification: Likely benign. Last evaluated: 2024-04-01. Review status: criteria provided, single submitter. Criteria: CeGaT Center For Human Genetics Tuebingen Variant Classification Criteria Version 2. Collection method: clinical testing. Allele origin: germline. Affected: yes. Observed: 1 variant allele.
Comment: IGHMBP2: BP4, BP7

Labcorp Genetics (formerly Invitae), Labcorp
Classification: Likely benign for Autosomal recessive distal spinal muscular atrophy 1; Charcot-Marie-Tooth disease axonal type 2S. Last evaluated: 2024-01-04. Review status: criteria provided, single submitter. Criteria: Invitae Variant Classification Sherloc (09022015). Collection method: clinical testing. Allele origin: germline.

Ambry Genetics
Classification: Likely benign for Inborn genetic diseases. Last evaluated: 2019-07-11. Review status: criteria provided, single submitter. Criteria: Ambry Variant Classification Scheme 2023. Collection method: clinical testing. Allele origin: germline.

Eurofins Ntd Llc (ga)
Classification: Uncertain significance. Last evaluated: 2016-10-11. Review status: criteria provided, single submitter. Criteria: EGL Classification Definitions 2015. Collection method: clinical testing. Allele origin: germline. Observed: 1 variant allele, 1 heterozygote.

NM_002180.3(IGHMBP2):c.2643G>A (p.Glu881=)

Gene: IGHMBP2 (immunoglobulin mu DNA binding protein 2; plus strand). Cytogenetic location: 11q13.3.
Variant type: single nucleotide variant.
Coding change: c.2643G>A on transcript NM_002180.3 (MANE Select); coding-DNA position 2643, G replaced by A.
Protein change: p.Glu881=; no amino-acid change (glutamic acid 881 retained).
Molecular consequence: synonymous variant.
Genome position (GRCh38, 1-based): chr11:68,938,213, G>A. VCF-style: chr11-68938213-G-A. GRCh37 (hg19) VCF-style: chr11-68705681-G-A.
Identifiers: ClinVar variation 497468 (VCV000497468.36), dbSNP rs374950193, ClinGen allele CA6153974.